The following is an entry in ClinVar:

ClinVar aggregate classification (germline): Uncertain significance (1 of 4 stars; one submission).

Conditions:
Catecholaminergic polymorphic ventricular tachycardia 1. Also called: RYR2-Related Catecholaminergic Polymorphic Ventricular Tachycardia; VENTRICULAR TACHYCARDIA, STRESS-INDUCED POLYMORPHIC 1; VENTRICULAR TACHYCARDIA, CATECHOLAMINERGIC POLYMORPHIC, 1, WITH OR WITHOUT ATRIAL DYSFUNCTION AND/OR DILATED CARDIOMYOPATHY. Identifiers: Orphanet 3286, MedGen C1631597, MONDO:0011484, OMIM 604772.

Submission:

Labcorp Genetics (formerly Invitae), Labcorp
Classification: Uncertain significance for Catecholaminergic polymorphic ventricular tachycardia 1. Last evaluated: 2023-11-22. Review status: criteria provided, single submitter. Criteria: Invitae Variant Classification Sherloc (09022015). Collection method: clinical testing. Allele origin: germline.
Comment: This sequence change affects a donor splice site in intron 36 of the RYR2 gene. It is expected to disrupt RNA splicing. Variants that disrupt the donor or acceptor splice site typically lead to a loss of protein function (PMID: 16199547), however the current clinical and genetic evidence is not sufficient to establish whether loss-of-function variants in RYR2 cause disease. This variant is not present in population databases (gnomAD no frequency). This variant has not been reported in the literature in individuals affected with RYR2-related conditions. Algorithms developed to predict the effect of sequence changes on RNA splicing suggest that this variant may disrupt the consensus splice site. In summary, the available evidence is currently insufficient to determine the role of this variant in disease. Therefore, it has been classified as a Variant of Uncertain Significance.

Literature cited by the submitters: PubMed 16199547.

NM_001035.3(RYR2):c.4910+1G>A

Gene: RYR2 (ryanodine receptor 2; plus strand). Cytogenetic location: 1q43.
Variant type: single nucleotide variant.
Coding change: c.4910+1G>A on transcript NM_001035.3 (MANE Select); the canonical splice donor site of the intron after coding-DNA position 4910, G replaced by A.
Molecular consequence: splice donor variant.
Genome position (GRCh38, 1-based): chr1:237,610,989, G>A. VCF-style: chr1-237610989-G-A. GRCh37 (hg19) VCF-style: chr1-237774289-G-A.
Identifiers: ClinVar variation 2998210 (VCV002998210.3), dbSNP rs2546768538, ClinGen allele CA345402897.